The following is an entry in ClinVar:

ClinVar aggregate classification (germline): Uncertain significance. Review status: criteria provided, multiple submitters, no conflicts (2 of 4 stars). 2 submissions from 2 submitters: Uncertain significance (2). Last evaluated 2025-07-22.

Conditions:
Hereditary cancer-predisposing syndrome. Also called: Tumor predisposition; Hereditary Cancer Syndrome; Neoplastic Syndromes, Hereditary; Hereditary neoplastic syndrome. Identifiers: Orphanet 140162, MedGen C0027672, MeSH D009386, MONDO:0015356.
Neurofibromatosis, type 2 (SWNV). Also called: BILATERAL ACOUSTIC NEUROFIBROMATOSIS; SCHWANNOMATOSIS, VESTIBULAR; NF2-Related Schwannomatosis. Identifiers: Orphanet 637, MedGen C0027832, MONDO:0007039, OMIM 101000. Disease mechanism: loss of function.

Allele frequency attached by ClinVar (database versions not stated): gnomAD exomes below 0.00001.
gnomAD v4.1: 2 of 1,606,714 alleles (0.00012%); highest among the groups gnomAD compares: Non-Finnish European, 0.000085%; no homozygotes.

Submissions (2):

Labcorp Genetics (formerly Invitae), Labcorp
Classification: Uncertain significance for Neurofibromatosis, type 2. Last evaluated: 2025-07-22. Review status: criteria provided, single submitter. Criteria: Invitae Variant Classification Sherloc (09022015). Collection method: clinical testing. Allele origin: germline.
Comment: This sequence change replaces alanine, which is neutral and non-polar, with threonine, which is neutral and polar, at codon 403 of the NF2 protein (p.Ala403Thr). This variant is not present in population databases (gnomAD no frequency). This variant has not been reported in the literature in individuals affected with NF2-related conditions. ClinVar contains an entry for this variant (Variation ID: 957711). Invitae Evidence Modeling of protein sequence and biophysical properties (such as structural, functional, and spatial information, amino acid conservation, physicochemical variation, residue mobility, and thermodynamic stability) indicates that this missense variant is not expected to disrupt NF2 protein function with a negative predictive value of 80%. In summary, the available evidence is currently insufficient to determine the role of this variant in disease. Therefore, it has been classified as a Variant of Uncertain Significance.

Ambry Genetics
Classification: Uncertain significance for Hereditary cancer-predisposing syndrome. Last evaluated: 2024-09-21. Review status: criteria provided, single submitter. Criteria: Ambry Variant Classification Scheme 2023. Collection method: clinical testing. Allele origin: germline.
Comment: The p.A403T variant (also known as c.1207G>A), located in coding exon 12 of the NF2 gene, results from a G to A substitution at nucleotide position 1207. The alanine at codon 403 is replaced by threonine, an amino acid with similar properties. This amino acid position is highly conserved in available vertebrate species. In addition, the in silico prediction for this alteration is inconclusive. Based on the available evidence, the clinical significance of this variant remains unclear.

NM_000268.4(NF2):c.1207G>A (p.Ala403Thr)

Gene: NF2 (NF2, moesin-ezrin-radixin like (MERLIN) tumor suppressor; plus strand). Cytogenetic location: 22q12.2.
Variant type: single nucleotide variant.
Coding change: c.1207G>A on transcript NM_000268.4 (MANE Select); coding-DNA position 1207, G replaced by A.
Protein change: p.Ala403Thr; replaces alanine 403 with threonine.
Molecular consequence: missense variant. On other transcripts: non-coding transcript variant (1), intron variant (1).
Genome position (GRCh38, 1-based): chr22:29,673,353, G>A. VCF-style: chr22-29673353-G-A. GRCh37 (hg19) VCF-style: chr22-30069342-G-A.
Other names: c.1207G>A, p.Ala403Thr (NM_016418.5, NM_181825.3, NM_181832.3); c.1081G>A, p.Ala361Thr (NM_181828.3); c.1084G>A, p.Ala362Thr (NM_181829.3); c.958G>A, p.Ala320Thr (NM_181830.3, NM_181831.3); c.448-21399G>A (NM_181833.3); short protein forms A362T, A403T, A320T, A361T.
Identifiers: ClinVar variation 957711 (VCV000957711.9), dbSNP rs2066861004, ClinGen allele CA411148154.
Genomic context (GRCh38, chr22:29,673,353, plus strand): 5'-CTGTTGGCTGAAAAGGCCCAGATCACCGAGGAGGAGGCAAAACTTCTGGCCCAGAAGGCC[G>A]CAGAGGCTGAGCAGGAAATGCAGCGCATCAAGGCCACAGCGATTCGCACGGAGGAGGAGA-3'
Protein context (NP_000259.1, residues 393-413): EEAKLLAQKA[Ala403Thr]EAEQEMQRIK